The following is an entry in ClinVar:

ClinVar aggregate classification (germline): Benign. Review status: criteria provided, multiple submitters, no conflicts (2 of 4 stars). 8 submissions from 8 submitters: Benign (8). Last evaluated 2026-02-03.

Conditions:
Inborn genetic diseases. Identifiers: MedGen C0950123, MeSH D030342.
Cornelia de Lange syndrome 5 (CDLS5). Also called: HDAC8-Related Cornelia de Lange Syndrome. Identifiers: Orphanet 199, MedGen C3550903, MONDO:0010471, OMIM 300882.

Allele frequency attached by ClinVar (database versions not stated): gnomAD exomes 0.06519 and 0.18187; ESP Exome Variant Server 0.23099; gnomAD 0.23437 and 0.23458; ExAC 0.24877; TOPMed 0.28163; 1000 Genomes Project 30x 0.41270; 1000 Genomes Project 0.41748.
gnomAD v4.1: 97,872 of 1,186,704 alleles (8.2%); highest among the groups gnomAD compares: East Asian, 68%; 17,200 homozygotes.

Submissions (8):

Labcorp Genetics (formerly Invitae), Labcorp
Classification: Benign for Cornelia de Lange syndrome 5. Last evaluated: 2026-02-03. Review status: criteria provided, single submitter. Criteria: Invitae Variant Classification Sherloc (09022015). Collection method: clinical testing. Allele origin: germline.

Blueprint Genetics
Classification: Benign. Last evaluated: 2024-11-28. Review status: criteria provided, single submitter. Criteria: ACMG Guidelines, 2015. Collection method: clinical testing. Allele origin: germline.

Genome-Nilou Lab
Classification: Benign for Cornelia de Lange syndrome 5. Last evaluated: 2021-08-10. Review status: criteria provided, single submitter. Criteria: ACMG Guidelines, 2015. Collection method: clinical testing. Allele origin: germline. Affected: no.

GeneDx
Classification: Benign. Last evaluated: 2017-04-04. Review status: criteria provided, single submitter. Criteria: GeneDx Variant Classification (06012015). Collection method: clinical testing. Allele origin: germline. Affected: yes.
Comment: This variant is considered likely benign or benign based on one or more of the following criteria: it is a conservative change, it occurs at a poorly conserved position in the protein, it is predicted to be benign by multiple in silico algorithms, and/or has population frequency not consistent with disease.

Ambry Genetics
Classification: Benign for Inborn genetic diseases. Last evaluated: 2016-05-26. Review status: criteria provided, single submitter. Criteria: Ambry Variant Classification Scheme 2023. Collection method: clinical testing. Allele origin: germline.

Genetic Services Laboratory, University of Chicago
Classification: Benign. Last evaluated: 2013-09-26. Review status: criteria provided, single submitter. Criteria: ACMG Guidelines, 2007. Collection method: clinical testing. Allele origin: germline. Inheritance: X-linked inheritance.

Breakthrough Genomics
Classification: Benign. Review status: criteria provided, single submitter. Criteria: ACMG Guidelines, 2015. Collection method: not provided. Allele origin: germline. Inheritance: X-linked inheritance. Affected: yes.

PreventionGenetics, part of Exact Sciences
Classification: Benign. Review status: criteria provided, single submitter. Criteria: ACMG Guidelines, 2015. Collection method: clinical testing. Allele origin: germline.

NM_018486.3(HDAC8):c.159G>A (p.Gln53=)

Gene: HDAC8 (histone deacetylase 8; minus strand). Cytogenetic location: Xq13.1.
Variant type: single nucleotide variant.
Coding change: c.159G>A on transcript NM_018486.3 (MANE Select); coding-DNA position 159, G replaced by A.
Protein change: p.Gln53=; no amino-acid change (glutamine 53 retained).
Molecular consequence: synonymous variant. On other transcripts: non-coding transcript variant (1).
Genome position (GRCh38, 1-based): chrX:72,572,062, C>T on the plus strand (G>A on the coding strand, the complement: HDAC8 is on the minus strand). VCF-style: chrX-72572062-C-T. GRCh37 (hg19) VCF-style: chrX-71791912-C-T.
Other names: c.159G>A, p.Gln53= (NM_001166418.2, NM_001166419.2, NM_001166420.2 and 2 more transcripts).
Identifiers: ClinVar variation 158659 (VCV000158659.24), dbSNP rs11093377, ClinGen allele CA172282.